The following is an entry in ClinVar:

NM_000523.4(HOXD13):c.749A>C (p.Gln250Pro)

Gene: HOXD13 (homeobox D13; plus strand). Cytogenetic location: 2q31.1.
Variant type: single nucleotide variant.
Coding change: c.749A>C on transcript NM_000523.4 (MANE Select); coding-DNA position 749, A replaced by C.
Protein change: p.Gln250Pro; replaces glutamine 250 with proline.
Molecular consequence: missense variant.
Genome position (GRCh38, 1-based): chr2:176,093,639, A>C. VCF-style: chr2-176093639-A-C. GRCh37 (hg19) VCF-style: chr2-176958367-A-C.
Other names: short protein forms Q250P.
Identifiers: ClinVar variation 3526414 (VCV003526414.3).
Genomic context (GRCh38, chr2:176,093,639, plus strand): 5'-AGTCCTGGACGCTGGCTAACGGGTGGAACAGCCAGGTGTACTGCACCAAGGACCAGCCAC[A>C]GGGGTCCCACTTTTGGAAATCTTCCTTTCCAGGTAGGGGCGATGGAGAAAAGGGACCGAC-3'
Protein context (NP_000514.2, residues 240-260): SQVYCTKDQP[Gln250Pro]GSHFWKSSFP

ClinVar aggregate classification (germline): Uncertain significance. Review status: criteria provided, multiple submitters, no conflicts (2 of 4 stars). 2 submissions from 2 submitters: Uncertain significance (2). Last evaluated 2024-12-02.

Conditions:
Inborn genetic diseases. Identifiers: MedGen C0950123, MeSH D030342.

gnomAD v4.1: 11 of 1,603,274 alleles (0.00069%); highest among the groups gnomAD compares: Non-Finnish European, 0.00094%; no homozygotes.

Submissions (2):

Labcorp Genetics (formerly Invitae), Labcorp
Classification: Uncertain significance. Last evaluated: 2024-12-02. Review status: criteria provided, single submitter. Criteria: Invitae Variant Classification Sherloc (09022015). Collection method: clinical testing. Allele origin: germline.
Comment: This sequence change replaces glutamine, which is neutral and polar, with proline, which is neutral and non-polar, at codon 250 of the HOXD13 protein (p.Gln250Pro). This variant is not present in population databases (gnomAD no frequency). This variant has not been reported in the literature in individuals affected with HOXD13-related conditions. Invitae Evidence Modeling of protein sequence and biophysical properties (such as structural, functional, and spatial information, amino acid conservation, physicochemical variation, residue mobility, and thermodynamic stability) indicates that this missense variant is not expected to disrupt HOXD13 protein function with a negative predictive value of 80%. In summary, the available evidence is currently insufficient to determine the role of this variant in disease. Therefore, it has been classified as a Variant of Uncertain Significance.

Ambry Genetics
Classification: Uncertain significance for Inborn genetic diseases. Last evaluated: 2024-09-25. Review status: criteria provided, single submitter. Criteria: Ambry Variant Classification Scheme 2023. Collection method: clinical testing. Allele origin: germline.